The following is an entry in ClinVar:

ClinVar aggregate classification (germline): Conflicting classifications of pathogenicity. Review status: criteria provided, conflicting classifications (1 of 4 stars). 3 submissions from 3 submitters: Uncertain significance (2); Likely benign (1). Last evaluated 2026-07-13.

Conditions:
Familial thoracic aortic aneurysm and aortic dissection (TAAD). Also called: Thoracic aortic aneurysms and dissections. Identifiers: Orphanet 91387, MedGen C4707243, MONDO:0019625.

gnomAD v4.1: 2 of 1,613,536 alleles (0.00012%); highest among the groups gnomAD compares: Non-Finnish European, 0.00017%; no homozygotes.

Submissions (3):

Ambry Genetics
Classification: Uncertain significance for Familial thoracic aortic aneurysm and aortic dissection. Last evaluated: 2026-07-13. Review status: criteria provided, single submitter. Criteria: Ambry Variant Classification Scheme 2023. Collection method: clinical testing. Allele origin: germline.
Comment: The p.N120D variant (also known as c.358A>G), located in coding exon 4 of the FBN1 gene, results from an A to G substitution at nucleotide position 358. The asparagine at codon 120 is replaced by aspartic acid, an amino acid with highly similar properties. This amino acid position is conserved. In addition, this alteration is predicted to be tolerated by in silico analysis. Based on the available evidence, the clinical significance of this variant remains unclear.

Color Diagnostics, LLC DBA Color Health
Classification: Likely benign for Familial thoracic aortic aneurysm and aortic dissection. Last evaluated: 2025-07-03. Review status: criteria provided, single submitter. Criteria: ACMG Guidelines, 2015. Collection method: clinical testing. Allele origin: germline.

GeneDx
Classification: Uncertain significance. Last evaluated: 2025-05-06. Review status: criteria provided, single submitter. Criteria: GeneDx Variant Classification Process June 2021. Collection method: clinical testing. Allele origin: germline. Affected: yes.
Comment: Not observed at significant frequency in large population cohorts (gnomAD); In silico analysis suggests that this missense variant does not alter protein structure/function; Has not been previously published as pathogenic or benign to our knowledge; Does not affect a cysteine or calcium-binding residue within an EGF-like domain or a TGF-binding protein domain of the FBN1 gene; cysteine substitutions in the EGF-like domains represent the majority of pathogenic missense changes associated with FBN1-related disorders (PMID: 12938084); This variant is associated with the following publications: (PMID: 12938084)

NM_000138.5(FBN1):c.358A>G (p.Asn120Asp)

Gene: FBN1 (fibrillin 1; minus strand). Cytogenetic location: 15q21.1.
Variant type: single nucleotide variant.
Coding change: c.358A>G on transcript NM_000138.5 (MANE Select); coding-DNA position 358, A replaced by G.
Protein change: p.Asn120Asp; replaces asparagine 120 with aspartic acid.
Molecular consequence: missense variant.
Genome position (GRCh38, 1-based): chr15:48,600,223, T>C on the plus strand (A>G on the coding strand, the complement: FBN1 is on the minus strand). VCF-style: chr15-48600223-T-C. GRCh37 (hg19) VCF-style: chr15-48892420-T-C.
Other names: c.358A>G, p.Asn120Asp (NM_001406716.1, NM_001406717.1); short protein forms N120D.
Identifiers: ClinVar variation 4526958 (VCV004526958.3).